The following is an entry in ClinVar:

ClinVar aggregate classification (germline): Conflicting classifications of pathogenicity. Review status: criteria provided, conflicting classifications (1 of 4 stars). 8 submissions from 8 submitters: Uncertain significance (1); Benign (4); Likely benign (3). Last evaluated 2026-10-01.

Conditions:
Hereditary spastic paraplegia. Also called: Familial spastic paraparesis. Identifiers: Orphanet 685, MedGen C0037773, MONDO:0019064. Disease mechanism: loss of function.
Hereditary spastic paraplegia 7 (SPG7). Also called: SPG7-related neurologic disorder; SPASTIC PARAPLEGIA 7, AUTOSOMAL RECESSIVE, WITH OR WITHOUT CEREBELLAR ATAXIA; Spastic paraplegia 7; Hereditary spastic paraplegia Paraplegin type; Autosomal recessive spastic paraplegia type 7. Identifiers: Orphanet 99013, MedGen C1846564, MONDO:0011803, OMIM 607259.

Allele frequency attached by ClinVar (database versions not stated): 1000 Genomes Project 30x 0.00265; 1000 Genomes Project 0.00300; gnomAD 0.00424 and 0.00450; TOPMed 0.00491; gnomAD exomes 0.00494 and 0.00588; ExAC 0.00517; ESP Exome Variant Server 0.00693.
gnomAD v4.1: 9,335 of 1,614,118 alleles (0.58%); highest among the groups gnomAD compares: Middle Eastern, 2%; 56 homozygotes.

Submissions (8):

CeGaT Center for Human Genetics Tuebingen
Classification: Likely benign. Last evaluated: 2026-10-01. Review status: criteria provided, single submitter. Criteria: CeGaT Center For Human Genetics Tuebingen Variant Classification Criteria Version 2. Collection method: clinical testing. Allele origin: germline. Affected: yes. Observed: 45 variant alleles.
Comment: SPG7: BP4, BP7, BS2

Labcorp Genetics (formerly Invitae), Labcorp
Classification: Benign for Hereditary spastic paraplegia 7. Last evaluated: 2026-01-28. Review status: criteria provided, single submitter. Criteria: Invitae Variant Classification Sherloc (09022015). Collection method: clinical testing. Allele origin: germline.

Blueprint Genetics
Classification: Likely benign. Last evaluated: 2024-11-27. Review status: criteria provided, single submitter. Criteria: ACMG Guidelines, 2015. Collection method: clinical testing. Allele origin: germline.

Athena Diagnostics
Classification: Benign. Last evaluated: 2024-07-31. Review status: criteria provided, single submitter. Criteria: Athena Diagnostics Criteria. Collection method: clinical testing. Allele origin: unknown.

Mayo Clinic Laboratories, Mayo Clinic
Classification: Benign. Last evaluated: 2022-12-27. Review status: criteria provided, single submitter. Criteria: ACMG Guidelines, 2015. Collection method: clinical testing. Allele origin: germline. Observed: 40 variant alleles.
Comment: BS1, BS2, BP4, BP7

Genome Diagnostics Laboratory, The Hospital for Sick Children
Classification: Likely benign for Hereditary spastic paraplegia. Last evaluated: 2020-10-08. Review status: criteria provided, single submitter. Criteria: ACMG Guidelines, 2015. Collection method: clinical testing. Allele origin: germline. Affected: yes.

Illumina Laboratory Services, Illumina
Classification: Uncertain significance for Hereditary spastic paraplegia 7. Last evaluated: 2017-11-01. Review status: criteria provided, single submitter. Criteria: ICSL Variant Classification Criteria 13 December 2019. Collection method: clinical testing. Allele origin: germline.
Comment: This variant was observed as part of a predisposition screen in an ostensibly healthy population. A literature search was performed for the gene, cDNA change, and amino acid change (where applicable). Publications were found based on this search. However, the evidence from the literature, in combination with allele frequency data from public databases where available, was not sufficient to rule this variant in or out of causing disease. Therefore, this variant is classified as a variant of unknown significance.

GeneDx
Classification: Benign. Last evaluated: 2013-04-17. Review status: criteria provided, single submitter. Criteria: GeneDx Variant Classification (06012015). Collection method: clinical testing. Allele origin: germline. Affected: yes.
Comment: This variant is considered likely benign or benign based on one or more of the following criteria: it is a conservative change, it occurs at a poorly conserved position in the protein, it is predicted to be benign by multiple in silico algorithms, and/or has population frequency not consistent with disease.

Literature cited by the submitters: PubMed 16534102 (cited by Athena Diagnostics and Illumina Laboratory Services, Illumina).

NM_003119.4(SPG7):c.1032C>T (p.Gly344=)

Gene: SPG7 (SPG7 matrix AAA peptidase subunit, paraplegin; plus strand). Cytogenetic location: 16q24.3.
Variant type: single nucleotide variant.
Coding change: c.1032C>T on transcript NM_003119.4 (MANE Select); coding-DNA position 1032, C replaced by T.
Protein change: p.Gly344=; no amino-acid change (glycine 344 retained).
Molecular consequence: synonymous variant.
Genome position (GRCh38, 1-based): chr16:89,531,948, C>T. VCF-style: chr16-89531948-C-T. GRCh37 (hg19) VCF-style: chr16-89598356-C-T.
Other names: p.G344G:GGC>GGT; p.Gly344=; c.1032C>T, p.Gly344= (NM_001363850.1, NM_199367.3).
Identifiers: ClinVar variation 139239 (VCV000139239.63), dbSNP rs116319889, ClinGen allele CA293664.